The following is an entry in ClinVar:

ClinVar aggregate classification (germline): Conflicting classifications of pathogenicity. Review status: criteria provided, conflicting classifications (1 of 4 stars). 2 submissions from 2 submitters: Uncertain significance (1); Benign (1). Last evaluated 2020-09-09.

Conditions:
Amyotrophic lateral sclerosis (ALS). Also called: Charcot disease; Lou Gehrig disease. Identifiers: Orphanet 803, MedGen C0002736, MONDO:0004976, HP:0007354.

Allele frequency attached by ClinVar (database versions not stated): ExAC 0.00354; ESP Exome Variant Server 0.00372; TOPMed 0.00385; 1000 Genomes Project 30x 0.00468; 1000 Genomes Project 0.00539; gnomAD exomes 0.00615 and 0.00749; gnomAD 0.01248.
gnomAD v4.1: 9,548 of 1,551,466 alleles (0.62%); highest among the groups gnomAD compares: Non-Finnish European, 0.53%; 76 homozygotes.

Submissions (2):

UM ALS/MND Lab, University Of Malta
Classification: Uncertain significance for Amyotrophic lateral sclerosis. Last evaluated: 2020-09-09. Review status: criteria provided, single submitter. Criteria: ACMG Guidelines, 2015. Collection method: case-control. Allele origin: unknown. Affected: yes. Observed: 1 variant allele.
Comment: Single heterozygote

Labcorp Genetics (formerly Invitae), Labcorp
Classification: Benign. Last evaluated: 2018-04-04. Review status: criteria provided, single submitter. Criteria: Invitae Variant Classification Sherloc (09022015). Collection method: clinical testing. Allele origin: germline.

NM_001145122.2(CAPN14):c.1249C>T (p.Leu417Phe)

Gene: CAPN14 (calpain 14; minus strand). Cytogenetic location: 2p23.1.
Variant type: single nucleotide variant.
Coding change: c.1249C>T on transcript NM_001145122.2 (MANE Select); coding-DNA position 1249, C replaced by T.
Protein change: p.Leu417Phe; replaces leucine 417 with phenylalanine.
Molecular consequence: missense variant.
Genome position (GRCh38, 1-based): chr2:31,191,964, G>A on the plus strand (C>T on the coding strand, the complement: CAPN14 is on the minus strand). VCF-style: chr2-31191964-G-A. GRCh37 (hg19) VCF-style: chr2-31414830-G-A.
Other names: c.721C>T, p.Leu241Phe (NM_001321270.2); short protein forms L417F, L241F.
Identifiers: ClinVar variation 717612 (VCV000717612.6), dbSNP rs181906086, ClinGen allele CA1597511.